The following is an entry in ClinVar:

ClinVar aggregate classification (germline): Benign/Likely benign. Review status: criteria provided, multiple submitters, no conflicts (2 of 4 stars). 4 submissions from 4 submitters: Benign (1); Likely benign (3). Last evaluated 2025-08-01.

Allele frequency attached by ClinVar (database versions not stated): TOPMed 0.00005; ESP Exome Variant Server 0.00008; 1000 Genomes Project 30x 0.00047; 1000 Genomes Project 0.00060.
gnomAD v4.1: 715 of 1,610,910 alleles (0.044%); highest among the groups gnomAD compares: South Asian, 0.7%; 15 homozygotes.

Submissions (4):

CeGaT Center for Human Genetics Tuebingen
Classification: Likely benign. Last evaluated: 2025-08-01. Review status: criteria provided, single submitter. Criteria: CeGaT Center For Human Genetics Tuebingen Variant Classification Criteria Version 2. Collection method: clinical testing. Allele origin: germline. Affected: yes. Observed: 5 variant alleles.
Comment: ANK3: BP4, BP7, BS2

Labcorp Genetics (formerly Invitae), Labcorp
Classification: Benign. Last evaluated: 2024-02-24. Review status: criteria provided, single submitter. Criteria: Invitae Variant Classification Sherloc (09022015). Collection method: clinical testing. Allele origin: germline.

Genetic Services Laboratory, University of Chicago
Classification: Likely benign. Last evaluated: 2016-03-22. Review status: criteria provided, single submitter. Criteria: ACMG Guidelines, 2015. Collection method: clinical testing. Allele origin: germline. Affected: no.

Breakthrough Genomics
Classification: Likely benign. Review status: criteria provided, single submitter. Criteria: ACMG Guidelines, 2015. Collection method: not provided. Allele origin: germline. Inheritance: Autosomal recessive inheritance. Affected: yes.

NM_020987.5(ANK3):c.1290C>G (p.Thr430=)

Gene: ANK3 (ankyrin 3; minus strand). Cytogenetic location: 10q21.2.
Variant type: single nucleotide variant.
Coding change: c.1290C>G on transcript NM_020987.5 (MANE Select); coding-DNA position 1290, C replaced by G.
Protein change: p.Thr430=; no amino-acid change (threonine 430 retained).
Molecular consequence: synonymous variant.
Genome position (GRCh38, 1-based): chr10:60,205,795, G>C on the plus strand (C>G on the coding strand, the complement: ANK3 is on the minus strand). VCF-style: chr10-60205795-G-C. GRCh37 (hg19) VCF-style: chr10-61965553-G-C.
Other names: c.1272C>G, p.Thr424= (NM_001204403.2); c.1239C>G, p.Thr413= (NM_001204404.2); c.1290C>G, p.Thr430= (NM_001320874.2).
Identifiers: ClinVar variation 210144 (VCV000210144.38), dbSNP rs374761322, ClinGen allele CA209175.
Genomic context (GRCh38, chr10:60,205,795, plus strand): 5'-CTGCTAAGGCTATACTCTCAGTATCTCAGGACTCCCAGAAATCTTAACTCTTCTCACCTC[G>C]GTTACAGCTTGGATGGATGCACCGTGTTTCAGAAGGAGTTCCATTACTTTAATTCGATTC-3'
Protein context (NP_066267.2, residues 420-440): LKHGASIQAV[Thr430=]ESGLTPIHVA